The following is an entry in ClinVar:

ClinVar aggregate classification (germline): Conflicting classifications of pathogenicity. Review status: criteria provided, conflicting classifications (1 of 4 stars). 2 submissions from 2 submitters: Uncertain significance (1); Likely benign (1). Last evaluated 2022-06-10.

Conditions:
Ceroid lipofuscinosis, neuronal, 4 (Kufs type) (CLN4). Also called: Neuronal ceroid lipofuscinosis 4B; Ceroid lipofuscinosis, neuronal, 4, Parry type. Identifiers: Orphanet 228343, Orphanet 79262, MedGen C1834207, MONDO:0008083, OMIM 162350.
Neuronal ceroid lipofuscinosis. Also called: Neuronal Ceroid Lipofuscinoses. Identifiers: Orphanet 216, Orphanet 79263, MedGen C0027877, MONDO:0016295. Disease mechanism: loss of function.

Allele frequency attached by ClinVar (database versions not stated): TOPMed below 0.00001; gnomAD exomes 0.00001; ExAC 0.00002.
gnomAD v4.1: 9 of 1,613,968 alleles (0.00056%); highest among the groups gnomAD compares: Non-Finnish European, 0.00076%; no homozygotes.

Submissions (2):

Labcorp Genetics (formerly Invitae), Labcorp
Classification: Uncertain significance for Neuronal ceroid lipofuscinosis. Last evaluated: 2022-06-10. Review status: criteria provided, single submitter. Criteria: Invitae Variant Classification Sherloc (09022015). Collection method: clinical testing. Allele origin: germline.
Comment: In summary, the available evidence is currently insufficient to determine the role of this variant in disease. Therefore, it has been classified as a Variant of Uncertain Significance. Algorithms developed to predict the effect of missense changes on protein structure and function (SIFT, PolyPhen-2, Align-GVGD) all suggest that this variant is likely to be tolerated. ClinVar contains an entry for this variant (Variation ID: 339356). This variant has not been reported in the literature in individuals affected with DNAJC5-related conditions. This variant is present in population databases (rs528096976, gnomAD 0.002%). This sequence change replaces lysine, which is basic and polar, with arginine, which is basic and polar, at codon 41 of the DNAJC5 protein (p.Lys41Arg).

Illumina Laboratory Services, Illumina
Classification: Likely benign for Ceroid lipofuscinosis, neuronal, 4 (Kufs type). Last evaluated: 2018-01-13. Review status: criteria provided, single submitter. Criteria: ICSL Variant Classification Criteria 13 December 2019. Collection method: clinical testing. Allele origin: germline.
Comment: This variant was observed in the ICSL laboratory as part of a predisposition screen in an ostensibly healthy population. It had not been previously curated by ICSL or reported in the Human Gene Mutation Database (HGMD: prior to June 1st, 2018), and was therefore a candidate for classification through an automated scoring system. Utilizing variant allele frequency, disease prevalence and penetrance estimates, and inheritance mode, an automated score was calculated to assess if this variant is too frequent to cause the disease. Based on the score and internal cut-off values, a variant classified as likely benign is not then subjected to further curation. The score for this variant resulted in a classification of likely benign for this disease.

NM_025219.3(DNAJC5):c.122A>G (p.Lys41Arg)

Gene: DNAJC5 (DnaJ heat shock protein family (Hsp40) member C5; plus strand). Cytogenetic location: 20q13.33.
Variant type: single nucleotide variant.
Coding change: c.122A>G on transcript NM_025219.3 (MANE Select); coding-DNA position 122, A replaced by G.
Protein change: p.Lys41Arg; replaces lysine 41 with arginine.
Molecular consequence: missense variant.
Genome position (GRCh38, 1-based): chr20:63,929,326, A>G. VCF-style: chr20-63929326-A-G. GRCh37 (hg19) VCF-style: chr20-62560679-A-G.
Other names: short protein forms K41R.
Identifiers: ClinVar variation 339356 (VCV000339356.10), dbSNP rs528096976, ClinGen allele CA9969653.